The following is an entry in ClinVar:

ClinVar aggregate classification (germline): Pathogenic. Review status: reviewed by expert panel (3 of 4 stars). 8 submissions from 8 submitters: Pathogenic (1). 7 of the submissions do not count toward it. Last evaluated 2016-09-08.

Conditions:
Hereditary breast ovarian cancer syndrome. Also called: BRCA1- and BRCA2-Associated Hereditary Breast and Ovarian Cancer; Hereditary breast and/or ovarian cancer syndrome; Hereditary breast and ovarian cancer syndrome; Hereditary breast and ovarian cancer syndrome (HBOC); Hereditary breast and ovarian cancer; Breast and ovarian cancer. Identifiers: Orphanet 145, MedGen C0677776, MeSH D061325, MONDO:0003582. Disease mechanism: loss of function.
Breast-ovarian cancer, familial, susceptibility to, 1 (BROVCA1). Also called: BRCA1 Hereditary Breast and Ovarian Cancer; OVARIAN CANCER, SUSCEPTIBILITY TO. Identifiers: Orphanet 145, MedGen C2676676, MONDO:0011450, OMIM 604370. Disease mechanism: loss of function.
Hereditary cancer-predisposing syndrome. Also called: Neoplastic Syndromes, Hereditary; Tumor predisposition; Hereditary neoplastic syndrome; Hereditary Cancer Syndrome. Identifiers: Orphanet 140162, MedGen C0027672, MeSH D009386, MONDO:0015356.

Submissions (8):

Evidence-based Network for the Interpretation of Germline Mutant Alleles (ENIGMA)
Classification: Pathogenic for Breast-ovarian cancer, familial, susceptibility to, 1. Last evaluated: 2016-09-08. Review status: reviewed by expert panel. Criteria: ENIGMA BRCA1/2 Classification Criteria (2015). Collection method: curation. Allele origin: germline.
Comment: Variant allele predicted to encode a truncated non-functional protein.

Institute of Human Genetics, University of Leipzig Medical Center
Classification: Pathogenic for Breast-ovarian cancer, familial, susceptibility to, 1. Last evaluated: 2026-06-30. Review status: criteria provided, single submitter. Criteria: ACMG Guidelines, 2015. Collection method: clinical testing. Allele origin: unknown. Inheritance: Autosomal dominant inheritance. Affected: yes. Not counted in ClinVar's aggregate classification.
Comment: Criteria applied: PVS1,PM5_STR,PM2_SUP

Labcorp Genetics (formerly Invitae), Labcorp
Classification: Pathogenic for Hereditary breast ovarian cancer syndrome. Last evaluated: 2025-12-09. Review status: criteria provided, single submitter. Criteria: Invitae Variant Classification Sherloc (09022015). Collection method: clinical testing. Allele origin: germline. Not counted in ClinVar's aggregate classification.
Comment: This sequence change creates a premature translational stop signal (p.Leu1764Alafs*66) in the BRCA1 gene. While this is not anticipated to result in nonsense mediated decay, it is expected to disrupt the last 100 amino acid(s) of the BRCA1 protein. This variant is not present in population databases (gnomAD no frequency). This premature translational stop signal has been observed in individual(s) with personal and/or family history of breast and/or ovarian cancer (PMID: 10866029, 29446198). This variant is also known as 5404InsG. ClinVar contains an entry for this variant (Variation ID: 37655). This variant disrupts a region of the BRCA1 protein in which other variant(s) (p.Tyr1853*) have been determined to be pathogenic (PMID: 7894493, 10811118, 11739404, 12400015, 20104584, 21922593, 24504028). This suggests that this is a clinically significant region of the protein, and that variants that disrupt it are likely to be disease-causing. For these reasons, this variant has been classified as Pathogenic.

Ambry Genetics
Classification: Pathogenic for Hereditary cancer-predisposing syndrome. Last evaluated: 2023-02-09. Review status: criteria provided, single submitter. Criteria: Ambry Variant Classification Scheme 2023. Collection method: clinical testing. Allele origin: germline. Not counted in ClinVar's aggregate classification.
Comment: The c.5289dupG pathogenic mutation, located in coding exon 19 of the BRCA1 gene, results from a duplication of G at nucleotide position 5289, causing a translational frameshift with a predicted alternate stop codon (p.L1764Afs*66). This alteration has been reported in multiple large cohorts of BRCA1 and BRCA2 mutation carriers (Peyrat JP et al. Eur. J. Cancer Prev., 1998 Feb;7 Suppl 1:S7-12; Lecarpentier J et al. Breast Cancer Res., 2012 Jul;14:R99; Rebbeck TR et al. Hum. Mutat., 2018 05;39:593-620). In addition to the clinical data presented in the literature, this alteration is expected to result in loss of function by premature protein truncation or nonsense-mediated mRNA decay. This variant is considered to be rare based on population cohorts in the Genome Aggregation Database (gnomAD). As such, this alteration is interpreted as a disease-causing mutation.

Baylor Genetics
Classification: Pathogenic for Breast-ovarian cancer, familial, susceptibility to, 1. Last evaluated: 2022-10-31. Review status: criteria provided, single submitter. Criteria: ACMG Guidelines, 2015. Collection method: clinical testing. Allele origin: unknown. Not counted in ClinVar's aggregate classification.

Sema4
Classification: Pathogenic for Hereditary cancer-predisposing syndrome. Last evaluated: 2021-04-29. Review status: criteria provided, single submitter. Criteria: Sema4 Curation Guidelines. Collection method: curation. Allele origin: germline. Not counted in ClinVar's aggregate classification.
Comment: The BRCA1 c.5289dupG (p.L1764AfsX66) variant has been reported in heterozygosity in at least five individuals with breast or ovarian cancer (PMID: 10866029, 25948282, 29446198). It is also known as 5404insG and c.5285insG in the literature.This variant causes a frameshift at amino acid 1764 that results in premature termination 66 amino acids downstream. As this variant is not predicted to cause nonsense-mediated decay, the protein product is expected to be truncated. This variant is not reported in the population database Genome Aggregation Database (PMID: 32461654) but has been reported in ClinVar (Variation ID: 37655). Based on the current evidence available, this variant is interpreted as pathogenic.

Consortium of Investigators of Modifiers of BRCA1/2 (CIMBA), c/o University of Cambridge
Classification: Pathogenic for Breast-ovarian cancer, familial, susceptibility to, 1. Last evaluated: 2015-10-02. Review status: criteria provided, single submitter. Criteria: CIMBA Mutation Classification guidelines May 2016. Collection method: clinical testing. Allele origin: germline. Not counted in ClinVar's aggregate classification.

Breast Cancer Information Core (BIC) (BRCA1)
Classification: Pathogenic for Breast-ovarian cancer, familial 1. Review status: no assertion criteria provided. Collection method: clinical testing. Allele origin: germline. Affected: yes. Observed: 1 variant allele. Not counted in ClinVar's aggregate classification.

Literature cited by the submitters: PubMed 10866029 (cited by 3 submitters); PubMed 29446198 (cited by 3 submitters); PubMed 7894493 (cited by Labcorp Genetics (formerly Invitae), Labcorp); PubMed 10811118 (cited by Labcorp Genetics (formerly Invitae), Labcorp); PubMed 11739404 (cited by Labcorp Genetics (formerly Invitae), Labcorp); PubMed 12400015 (cited by Labcorp Genetics (formerly Invitae), Labcorp); PubMed 20104584 (cited by Labcorp Genetics (formerly Invitae), Labcorp); PubMed 21922593 (cited by Labcorp Genetics (formerly Invitae), Labcorp); PubMed 24504028 (cited by Labcorp Genetics (formerly Invitae), Labcorp); PubMed 22762150 (cited by Ambry Genetics); PubMed 25948282 (cited by Sema4).

NM_007294.4(BRCA1):c.5289dup (p.Leu1764fs)

Gene: BRCA1 (BRCA1 DNA repair associated; minus strand). Cytogenetic location: 17q21.31.
Variant type: Duplication.
Coding change: c.5289dup on transcript NM_007294.4 (MANE Select); coding-DNA position 5289, one base duplicated (G; older notation c.5289dupG).
Protein change: p.Leu1764fs; shifts the reading frame from leucine 1764.
Molecular consequence: frameshift variant. On other transcripts: non-coding transcript variant (1).
Genome position (GRCh38, 1-based): chr17:43,051,106, C duplicated on the plus strand (G on the coding strand, the reverse complement: BRCA1 is on the minus strand); the first of 5 consecutive C bases (chr17:43,051,106-43,051,110); duplicating any one gives the same sequence. VCF-style (leftmost placement, unchanged base first): chr17-43051105-G-GC. GRCh37 (hg19) VCF-style: chr17-41203122-G-GC.
Other names: 5404insG; c.5289dupG (NM_007294.3); c.5141dup, p.Leu1716Alafs (NM_001407750.1, NM_001407751.1, NM_001407752.1 and 21 more transcripts); c.5138dup, p.Leu1715Alafs (NM_001407838.1, NM_001407839.1, NM_001407841.1 and 12 more transcripts); c.5285dup, p.Leu1764Alafs (NM_001407854.1, NM_001407593.1, NM_001407594.1 and 6 more transcripts); c.5282dup, p.Leu1763Alafs (NM_001407858.1, NM_001407859.1, NM_001407860.1 and 17 more transcripts); c.5279dup, p.Leu1762Alafs (NM_001407861.1, NM_001407627.1, NM_001407628.1 and 14 more transcripts); c.5084dup, p.Leu1697Alafs (NM_001407862.1); and 77 more; short protein forms L1717fs, L1785fs, L1764fs, L660fs.
Identifiers: ClinVar variation 37655 (VCV000037655.19), dbSNP rs80357886, ClinGen allele CA003446.